The following is an entry in ClinVar:

ClinVar aggregate classification (germline): Uncertain significance. Review status: criteria provided, multiple submitters, no conflicts (2 of 4 stars). 2 submissions from 2 submitters: Uncertain significance (2). Last evaluated 2025-11-25.

Conditions:
Long QT syndrome (LQTS). Identifiers: MedGen C0023976, MeSH D008133, MONDO:0002442. Disease mechanism: loss of function. Inheritance: Various modes of inheritance.
Cardiac arrhythmia. Also called: Arrhythmia; Cardiac rhythm disease. Identifiers: MedGen C0003811, MONDO:0007263, HP:0011675.

Submissions (2):

Labcorp Genetics (formerly Invitae), Labcorp
Classification: Uncertain significance for Long QT syndrome. Last evaluated: 2025-11-25. Review status: criteria provided, single submitter. Criteria: Invitae Variant Classification Sherloc (09022015). Collection method: clinical testing. Allele origin: germline.
Comment: This sequence change replaces proline, which is neutral and non-polar, with serine, which is neutral and polar, at codon 433 of the KCNQ1 protein (p.Pro433Ser). This variant is not present in population databases (gnomAD no frequency). This variant has not been reported in the literature in individuals affected with KCNQ1-related conditions. Invitae Evidence Modeling of protein sequence and biophysical properties (such as structural, functional, and spatial information, amino acid conservation, physicochemical variation, residue mobility, and thermodynamic stability) indicates that this missense variant is not expected to disrupt KCNQ1 protein function with a negative predictive value of 95%. In summary, the available evidence is currently insufficient to determine the role of this variant in disease. Therefore, it has been classified as a Variant of Uncertain Significance.

Color Diagnostics, LLC DBA Color Health
Classification: Uncertain significance for Cardiac arrhythmia. Last evaluated: 2025-10-12. Review status: criteria provided, single submitter. Criteria: ACMG Guidelines, 2015. Collection method: clinical testing. Allele origin: germline.
Comment: This missense variant replaces proline with serine at codon 433 of the KCNQ1 protein. Computational prediction suggests that this variant may not impact protein structure and function. To our knowledge, functional studies have not been reported for this variant. This variant has not been reported in individuals affected with KCNQ1-related disorders in the literature. This variant has not been identified in the general population by the Genome Aggregation Database (gnomAD). The available evidence is insufficient to determine the role of this variant in disease conclusively. Therefore, this variant is classified as a Variant of Uncertain Significance.

NM_000218.3(KCNQ1):c.1297C>T (p.Pro433Ser)

Gene: KCNQ1 (potassium voltage-gated channel subfamily Q member 1; plus strand). Cytogenetic location: 11p15.5.
Variant type: single nucleotide variant.
Coding change: c.1297C>T on transcript NM_000218.3 (MANE Select); coding-DNA position 1297, C replaced by T.
Protein change: p.Pro433Ser; replaces proline 433 with serine.
Molecular consequence: missense variant.
Genome position (GRCh38, 1-based): chr11:2,588,758, C>T. VCF-style: chr11-2588758-C-T. GRCh37 (hg19) VCF-style: chr11-2609988-C-T.
Other names: c.1201C>T, p.Pro401Ser (NM_001406836.1); c.1027C>T, p.Pro343Ser (NM_001406837.1); c.757C>T, p.Pro253Ser (NM_001406838.1); c.916C>T, p.Pro306Ser (NM_181798.2); short protein forms P253S, P401S, P433S, P306S, P343S.
Identifiers: ClinVar variation 4704405 (VCV004704405.1).